The following is an entry in ClinVar:

ClinVar aggregate classification (germline): Likely benign (0 of 4 stars; one submission).

Conditions:
FGD1-related disorder. Also called: FGD1-related condition; FGD1-related disorders.

Allele frequency attached by ClinVar (database versions not stated): gnomAD exomes 0.00003.

Submission:

PreventionGenetics, part of Exact Sciences
Classification: Likely benign for FGD1-related condition. Last evaluated: 2019-05-02. Review status: no assertion criteria provided. Collection method: clinical testing. Allele origin: germline.
Comment: This variant is classified as likely benign based on ACMG/AMP sequence variant interpretation guidelines (Richards et al. 2015 PMID: 25741868, with internal and published modifications).

NM_004463.3(FGD1):c.615C>T (p.Ser205=)

Gene: FGD1 (FYVE, RhoGEF and PH domain containing 1; minus strand). Cytogenetic location: Xp11.22.
Variant type: single nucleotide variant.
Coding change: c.615C>T on transcript NM_004463.3 (MANE Select); coding-DNA position 615, C replaced by T.
Protein change: p.Ser205=; no amino-acid change (serine 205 retained).
Molecular consequence: synonymous variant.
Genome position (GRCh38, 1-based): chrX:54,470,627, G>A on the plus strand (C>T on the coding strand, the complement: FGD1 is on the minus strand). VCF-style: chrX-54470627-G-A. GRCh37 (hg19) VCF-style: chrX-54497060-G-A.
Identifiers: ClinVar variation 3038061 (VCV003038061.2), dbSNP rs1358668677, ClinGen allele CA516574377.